The following is an entry in ClinVar:

ClinVar aggregate classification (germline): Uncertain significance. Review status: criteria provided, multiple submitters, no conflicts (2 of 4 stars). 2 submissions from 2 submitters: Uncertain significance (2). Last evaluated 2023-01-26.

Conditions:
Inborn genetic diseases. Identifiers: MedGen C0950123, MeSH D030342.

Allele frequency attached by ClinVar (database versions not stated): ExAC 0.00002; TOPMed 0.00006; 1000 Genomes Project 30x 0.00016; 1000 Genomes Project 0.00020.
gnomAD v4.1: 25 of 1,614,180 alleles (0.0015%); highest among the groups gnomAD compares: African/African-American, 0.004%; no homozygotes.

Submissions (2):

Ambry Genetics
Classification: Uncertain significance for Inborn genetic diseases. Last evaluated: 2023-01-26. Review status: criteria provided, single submitter. Criteria: Ambry Variant Classification Scheme 2023. Collection method: clinical testing. Allele origin: germline.

Labcorp Genetics (formerly Invitae), Labcorp
Classification: Uncertain significance. Last evaluated: 2022-07-21. Review status: criteria provided, single submitter. Criteria: Invitae Variant Classification Sherloc (09022015). Collection method: clinical testing. Allele origin: germline.
Comment: This sequence change replaces proline, which is neutral and non-polar, with leucine, which is neutral and non-polar, at codon 326 of the MERTK protein (p.Pro326Leu). This variant is present in population databases (rs561718480, gnomAD 0.01%). This variant has not been reported in the literature in individuals affected with MERTK-related conditions. Algorithms developed to predict the effect of missense changes on protein structure and function output the following: SIFT: "Deleterious"; PolyPhen-2: "Benign"; Align-GVGD: "Class C0". The leucine amino acid residue is found in multiple mammalian species, which suggests that this missense change does not adversely affect protein function. In summary, the available evidence is currently insufficient to determine the role of this variant in disease. Therefore, it has been classified as a Variant of Uncertain Significance.

NM_006343.3(MERTK):c.977C>T (p.Pro326Leu)

Genes: MERTK (MER proto-oncogene, tyrosine kinase; plus strand), LOC112806037 (Sharpr-MPRA regulatory region 3720; plus strand). Cytogenetic location: 2q13.
Variant type: single nucleotide variant.
Coding change: c.977C>T on transcript NM_006343.3 (MANE Select); coding-DNA position 977, C replaced by T.
Protein change: p.Pro326Leu; replaces proline 326 with leucine.
Molecular consequence: missense variant.
Genome position (GRCh38, 1-based): chr2:111,975,305, C>T. VCF-style: chr2-111975305-C-T. GRCh37 (hg19) VCF-style: chr2-112732882-C-T.
Other names: c.977C>T (NM_006343.2); short protein forms P326L.
Identifiers: ClinVar variation 2062086 (VCV002062086.3), dbSNP rs561718480, ClinGen allele CA1831251.